The following is an entry in ClinVar:

ClinVar aggregate classification (germline): Likely pathogenic (1 of 4 stars; one submission).

Conditions:
Frontotemporal dementia (FTD1). Also called: Dementia, frontotemporal, with or without parkinsonism; Frontotemporal Dementia with Parkinsonism-17 (FTDP-17); FRONTOTEMPORAL LOBAR DEGENERATION WITH TAU INCLUSIONS; FTLD WITH TAU INCLUSIONS; MULTIPLE SYSTEM TAUOPATHY WITH PRESENILE DEMENTIA; FRONTOTEMPORAL DEMENTIA WITH PARKINSONISM. Identifiers: Orphanet 282, MedGen C0338451, MONDO:0017276, OMIM 600274, HP:0002145.

Submission:

Kosik Lab, Neuroscience Research Institute, University of California Santa Barbara
Classification: Likely pathogenic for Frontotemporal dementia. Last evaluated: 2021-06-01. Review status: criteria provided, single submitter. Criteria: ACMG Guidelines, 2015. Collection method: case-control. Allele origin: unknown. Affected: yes. Observed: 1 variant allele. Study: TANGL.
Comment: ACMG criteria classifies the variant as PS4, PM1, PM2, PP2, PP3

Literature cited by the submitters: PubMed 23455423.

NM_002137.4(HNRNPA2B1):c.965G>A (p.Gly322Glu)

Gene: HNRNPA2B1 (heterogeneous nuclear ribonucleoprotein A2/B1; minus strand). Cytogenetic location: 7p15.2.
Variant type: single nucleotide variant.
Coding change: c.965G>A on transcript NM_002137.4 (MANE Select); coding-DNA position 965, G replaced by A.
Protein change: p.Gly322Glu; replaces glycine 322 with glutamic acid.
Molecular consequence: missense variant.
Genome position (GRCh38, 1-based): chr7:26,192,577, C>T on the plus strand (G>A on the coding strand, the complement: HNRNPA2B1 is on the minus strand). VCF-style: chr7-26192577-C-T. GRCh37 (hg19) VCF-style: chr7-26232197-C-T.
Other names: c.1001G>A, p.Gly334Glu (NM_031243.4); short protein forms G322E, G334E.
Identifiers: ClinVar variation 1178344 (VCV001178344.2), dbSNP rs1783018501, ClinGen allele CA367070916.